The following is an entry in ClinVar:

ClinVar aggregate classification (germline): Uncertain significance (1 of 4 stars; one submission).

Allele frequency attached by ClinVar (database versions not stated): TOPMed below 0.00001; ExAC 0.00001; gnomAD 0.00001; gnomAD exomes 0.00001.
gnomAD v4.1: 11 of 1,614,026 alleles (0.00068%); highest among the groups gnomAD compares: Non-Finnish European, 0.00068%; no homozygotes.

Submission:

Labcorp Genetics (formerly Invitae), Labcorp
Classification: Uncertain significance. Last evaluated: 2023-02-24. Review status: criteria provided, single submitter. Criteria: Invitae Variant Classification Sherloc (09022015). Collection method: clinical testing. Allele origin: germline.
Comment: Advanced modeling of protein sequence and biophysical properties (such as structural, functional, and spatial information, amino acid conservation, physicochemical variation, residue mobility, and thermodynamic stability) performed at Invitae indicates that this missense variant is not expected to disrupt C1S protein function. This variant has not been reported in the literature in individuals affected with C1S-related conditions. This variant is present in population databases (rs781845594, gnomAD 0.01%). This sequence change replaces aspartic acid, which is acidic and polar, with asparagine, which is neutral and polar, at codon 443 of the C1S protein (p.Asp443Asn). In summary, the available evidence is currently insufficient to determine the role of this variant in disease. Therefore, it has been classified as a Variant of Uncertain Significance.

NM_001734.5(C1S):c.1327G>A (p.Asp443Asn)

Gene: C1S (complement C1s; plus strand). Cytogenetic location: 12p13.31.
Variant type: single nucleotide variant.
Coding change: c.1327G>A on transcript NM_001734.5 (MANE Select); coding-DNA position 1327, G replaced by A.
Protein change: p.Asp443Asn; replaces aspartic acid 443 with asparagine.
Molecular consequence: missense variant.
Genome position (GRCh38, 1-based): chr12:7,069,911, G>A. VCF-style: chr12-7069911-G-A. GRCh37 (hg19) VCF-style: chr12-7177215-G-A.
Other names: c.826G>A, p.Asp276Asn (NM_001346850.2); c.1327G>A, p.Asp443Asn (NM_201442.4); short protein forms D276N, D443N.
Identifiers: ClinVar variation 3019138 (VCV003019138.3), dbSNP rs781845594, ClinGen allele CA6423768.